The following is an entry in ClinVar:

ClinVar aggregate classification (germline): Uncertain significance (1 of 4 stars; one submission).

Conditions:
Familial focal epilepsy with variable foci (FPEVF). Identifiers: Orphanet 98820, MedGen C1858477, MONDO:0020310.

Allele frequency attached by ClinVar (database versions not stated): TOPMed below 0.00001.
gnomAD v4.1: 9 of 1,614,194 alleles (0.00056%); highest among the groups gnomAD compares: Non-Finnish European, 0.00068%; no homozygotes.

Submission:

Labcorp Genetics (formerly Invitae), Labcorp
Classification: Uncertain significance for Familial focal epilepsy with variable foci. Last evaluated: 2025-03-30. Review status: criteria provided, single submitter. Criteria: Invitae Variant Classification Sherloc (09022015). Collection method: clinical testing. Allele origin: germline.
Comment: This sequence change replaces arginine, which is basic and polar, with tryptophan, which is neutral and slightly polar, at codon 605 of the DEPDC5 protein (p.Arg605Trp). This variant is not present in population databases (gnomAD no frequency). This variant has not been reported in the literature in individuals affected with DEPDC5-related conditions. ClinVar contains an entry for this variant (Variation ID: 534796). Experimental studies and prediction algorithms are not available or were not evaluated, and the functional significance of this variant is currently unknown. In summary, the available evidence is currently insufficient to determine the role of this variant in disease. Therefore, it has been classified as a Variant of Uncertain Significance.

NM_001242896.3(DEPDC5):c.1813C>T (p.Arg605Trp)

Gene: DEPDC5 (DEP domain containing 5, GATOR1 subcomplex subunit; plus strand). Cytogenetic location: 22q12.3.
Variant type: single nucleotide variant.
Coding change: c.1813C>T on transcript NM_001242896.3 (MANE Select); coding-DNA position 1813, C replaced by T.
Protein change: p.Arg605Trp; replaces arginine 605 with tryptophan.
Molecular consequence: missense variant. On other transcripts: non-coding transcript variant (5).
Genome position (GRCh38, 1-based): chr22:31,819,168, C>T. VCF-style: chr22-31819168-C-T. GRCh37 (hg19) VCF-style: chr22-32215154-C-T.
Other names: c.1813C>T, p.Arg605Trp (NM_001136029.4, NM_001242897.2, NM_001363852.2 and 6 more transcripts); c.1729C>T, p.Arg577Trp (NM_001369901.1, NM_001369902.1); short protein forms R605W, R577W.
Identifiers: ClinVar variation 534796 (VCV000534796.11), dbSNP rs1335111412, ClinGen allele CA411280950.
Genomic context (GRCh38, chr22:31,819,168, plus strand): 5'-CATGTTCGACCTGGTGGATACACGCCCCAGAGAGCACTGATTAACCCCTTCGCTCCCTCT[C>T]GGATGCCCATGAAGCTTACGTCCAACAGAAGGCGCTGGATGCACACTTTTCCTGTGGGTA-3'
Protein context (NP_001229825.1, residues 595-615): RALINPFAPS[Arg605Trp]MPMKLTSNRR